The following is an entry in ClinVar:

ClinVar aggregate classification (germline): Uncertain significance (1 of 4 stars; one submission).

Conditions:
Developmental and epileptic encephalopathy, 23 (DEE23). Also called: Epileptic encephalopathy, early infantile, 23. Identifiers: Orphanet 411986, MedGen C4014492, MONDO:0014371, OMIM 615859.

Allele frequency attached by ClinVar (database versions not stated): gnomAD exomes 0.00001; TOPMed 0.00001; gnomAD 0.00003 and 0.00004.
gnomAD v4.1: 16 of 1,612,958 alleles (0.00099%); highest among the groups gnomAD compares: Non-Finnish European, 0.0011%; no homozygotes.

Submission:

Labcorp Genetics (formerly Invitae), Labcorp
Classification: Uncertain significance for Developmental and epileptic encephalopathy, 23. Last evaluated: 2022-08-19. Review status: criteria provided, single submitter. Criteria: Invitae Variant Classification Sherloc (09022015). Collection method: clinical testing. Allele origin: germline.
Comment: This sequence change replaces cysteine, which is neutral and slightly polar, with tyrosine, which is neutral and polar, at codon 1891 of the DOCK7 protein (p.Cys1891Tyr). This variant is present in population databases (no rsID available, gnomAD 0.004%). This variant has not been reported in the literature in individuals affected with DOCK7-related conditions. ClinVar contains an entry for this variant (Variation ID: 944429). Algorithms developed to predict the effect of missense changes on protein structure and function are either unavailable or do not agree on the potential impact of this missense change (SIFT: "Tolerated"; PolyPhen-2: "Possibly Damaging"; Align-GVGD: "Class C0"). In summary, the available evidence is currently insufficient to determine the role of this variant in disease. Therefore, it has been classified as a Variant of Uncertain Significance.

NM_001367561.1(DOCK7):c.5705G>A (p.Cys1902Tyr)

Gene: DOCK7 (dedicator of cytokinesis 7; minus strand). Cytogenetic location: 1p31.3.
Variant type: single nucleotide variant.
Coding change: c.5705G>A on transcript NM_001367561.1 (MANE Select); coding-DNA position 5705, G replaced by A.
Protein change: p.Cys1902Tyr; replaces cysteine 1902 with tyrosine.
Molecular consequence: missense variant.
Genome position (GRCh38, 1-based): chr1:62,476,086, C>T on the plus strand (G>A on the coding strand, the complement: DOCK7 is on the minus strand). VCF-style: chr1-62476086-C-T. GRCh37 (hg19) VCF-style: chr1-62941757-C-T.
Other names: c.5672G>A, p.Cys1891Tyr (NM_001271999.2); c.5585G>A, p.Cys1862Tyr (NM_001272000.2); c.5579G>A, p.Cys1860Tyr (NM_001272001.2); c.5678G>A, p.Cys1893Tyr (NM_001330614.2); c.5612G>A, p.Cys1871Tyr (NM_033407.4); short protein forms C1860Y, C1871Y, C1902Y, C1891Y, C1862Y, C1893Y.
Identifiers: ClinVar variation 944429 (VCV000944429.7), dbSNP rs1416952320, ClinGen allele CA340604404.